The following is an entry in ClinVar:

NM_000020.3(ACVRL1):c.281T>C (p.Leu94Pro)

Gene: ACVRL1 (activin A receptor like type 1; plus strand). Cytogenetic location: 12q13.13.
Variant type: single nucleotide variant.
Coding change: c.281T>C on transcript NM_000020.3 (MANE Select); coding-DNA position 281, T replaced by C.
Protein change: p.Leu94Pro; replaces leucine 94 with proline.
Molecular consequence: missense variant. On other transcripts: intron variant (1).
Genome position (GRCh38, 1-based): chr12:51,913,318, T>C. VCF-style: chr12-51913318-T-C. GRCh37 (hg19) VCF-style: chr12-52307102-T-C.
Other names: c.281T>C, p.Leu94Pro (NM_001077401.2, NM_001406487.1, NM_001406488.1 and 6 more transcripts); c.61+783T>C (NM_001406495.1); short protein forms L94P.
Identifiers: ClinVar variation 2765317 (VCV002765317.3), dbSNP rs2540159146, ClinGen allele CA384898072.

ClinVar aggregate classification (germline): Uncertain significance (1 of 4 stars; one submission).

Conditions:
Telangiectasia, hereditary hemorrhagic, type 2 (HHT2). Also called: ACVRL1-Related Hereditary Hemorrhagic Telangiectasia; Telangiectasia, hereditary hemorrhagic, type II. Identifiers: Orphanet 774, MedGen C1838163, MONDO:0010880, OMIM 600376. Disease mechanism: loss of function.

Submission:

Labcorp Genetics (formerly Invitae), Labcorp
Classification: Uncertain significance for Telangiectasia, hereditary hemorrhagic, type 2. Last evaluated: 2023-10-04. Review status: criteria provided, single submitter. Criteria: Invitae Variant Classification Sherloc (09022015). Collection method: clinical testing. Allele origin: germline.
Comment: This sequence change replaces leucine, which is neutral and non-polar, with proline, which is neutral and non-polar, at codon 94 of the ACVRL1 protein (p.Leu94Pro). This variant is not present in population databases (gnomAD no frequency). This variant has not been reported in the literature in individuals affected with ACVRL1-related conditions. Advanced modeling of protein sequence and biophysical properties (such as structural, functional, and spatial information, amino acid conservation, physicochemical variation, residue mobility, and thermodynamic stability) has been performed at Invitae for this missense variant, however the output from this modeling did not meet the statistical confidence thresholds required to predict the impact of this variant on ACVRL1 protein function. In summary, the available evidence is currently insufficient to determine the role of this variant in disease. Therefore, it has been classified as a Variant of Uncertain Significance.